The following is an entry in ClinVar:

NM_021098.3(CACNA1H):c.3904G>A (p.Val1302Ile)

Gene: CACNA1H (calcium voltage-gated channel subunit alpha1 H; plus strand). Cytogenetic location: 16p13.3.
Variant type: single nucleotide variant.
Coding change: c.3904G>A on transcript NM_021098.3 (MANE Select); coding-DNA position 3904, G replaced by A.
Protein change: p.Val1302Ile; replaces valine 1302 with isoleucine.
Molecular consequence: missense variant.
Genome position (GRCh38, 1-based): chr16:1,210,428, G>A. VCF-style: chr16-1210428-G-A. GRCh37 (hg19) VCF-style: chr16-1260428-G-A.
Other names: c.3904G>A, p.Val1302Ile (NM_001005407.2); short protein forms V1302I.
Identifiers: ClinVar variation 836260 (VCV000836260.13), dbSNP rs200904795, ClinGen allele CA7801010.
Genomic context (GRCh38, chr16:1,210,428, plus strand): 5'-AGGTTCCGCGTCTCCTGCCAGAAGGTCATCACACACAAGATGTTTGATCACGTGGTCCTC[G>A]TCTTCATCTTCCTCAACTGCGTCACCATCGCCCTGGAGAGGCCTGACATTGATCCCGGCA-3'
Protein context (NP_066921.2, residues 1292-1312): THKMFDHVVL[Val1302Ile]FIFLNCVTIA

ClinVar aggregate classification (germline): Conflicting classifications of pathogenicity. Review status: criteria provided, conflicting classifications (1 of 4 stars). 4 submissions from 4 submitters: Uncertain significance (2); Likely benign (2). Last evaluated 2025-07-28.

Conditions:
Epilepsy, childhood absence, susceptibility to, 6. Identifiers: Orphanet 64280, MedGen C2749872, MONDO:0012763, OMIM 611942.
Hyperaldosteronism, familial, type IV (HALD4). Also called: FH IV; ALDOSTERONISM, PRIMARY, AND HYPERTENSION. Identifiers: Orphanet 642671, MedGen C4310756, MONDO:0014875, OMIM 617027.
Idiopathic generalized epilepsy. Also called: EIG; Generalised epilepsy. Identifiers: MedGen C0270850, MONDO:0005579, OMIM 600669.
Inborn genetic diseases. Identifiers: MedGen C0950123, MeSH D030342.

Allele frequency attached by ClinVar (database versions not stated): ExAC 0.00002; TOPMed 0.00002; 1000 Genomes Project 30x 0.00016.
gnomAD v4.1: 37 of 1,602,136 alleles (0.0023%); highest among the groups gnomAD compares: East Asian, 0.02%; no homozygotes.

Submissions (4):

Labcorp Genetics (formerly Invitae), Labcorp
Classification: Uncertain significance for Idiopathic generalized epilepsy; Hyperaldosteronism, familial, type IV. Last evaluated: 2025-07-28. Review status: criteria provided, single submitter. Criteria: Invitae Variant Classification Sherloc (09022015). Collection method: clinical testing. Allele origin: germline.
Comment: This sequence change replaces valine, which is neutral and non-polar, with isoleucine, which is neutral and non-polar, at codon 1302 of the CACNA1H protein (p.Val1302Ile). This variant is present in population databases (rs200904795, gnomAD 0.02%). This variant has not been reported in the literature in individuals affected with CACNA1H-related conditions. ClinVar contains an entry for this variant (Variation ID: 836260). Invitae Evidence Modeling of protein sequence and biophysical properties (such as structural, functional, and spatial information, amino acid conservation, physicochemical variation, residue mobility, and thermodynamic stability) indicates that this missense variant is not expected to disrupt CACNA1H protein function with a negative predictive value of 80%. In summary, the available evidence is currently insufficient to determine the role of this variant in disease. Therefore, it has been classified as a Variant of Uncertain Significance.

Ambry Genetics
Classification: Uncertain significance for Inborn genetic diseases. Last evaluated: 2025-04-28. Review status: criteria provided, single submitter. Criteria: Ambry Variant Classification Scheme 2023. Collection method: clinical testing. Allele origin: germline.

Fulgent Genetics
Classification: Likely benign for Epilepsy, childhood absence, susceptibility to, 6; Hyperaldosteronism, familial, type IV. Last evaluated: 2024-03-06. Review status: criteria provided, single submitter. Criteria: ACMG Guidelines, 2015. Collection method: clinical testing. Allele origin: germline.

Blueprint Genetics
Classification: Likely benign. Last evaluated: 2018-08-06. Review status: criteria provided, single submitter. Criteria: ACMG Guidelines, 2015. Collection method: clinical testing. Allele origin: germline.